The following is an entry in ClinVar:

NM_032444.4(SLX4):c.4013A>G (p.Gln1338Arg)

Gene: SLX4 (SLX4 structure-specific endonuclease subunit; minus strand). Cytogenetic location: 16p13.3.
Variant type: single nucleotide variant.
Coding change: c.4013A>G on transcript NM_032444.4 (MANE Select); coding-DNA position 4013, A replaced by G.
Protein change: p.Gln1338Arg; replaces glutamine 1338 with arginine.
Molecular consequence: missense variant.
Genome position (GRCh38, 1-based): chr16:3,589,625, T>C on the plus strand (A>G on the coding strand, the complement: SLX4 is on the minus strand). VCF-style: chr16-3589625-T-C. GRCh37 (hg19) VCF-style: chr16-3639626-T-C.
Other names: short protein forms Q1338R.
Identifiers: ClinVar variation 1045049 (VCV001045049.8), dbSNP rs2040554954, ClinGen allele CA394518595.

ClinVar aggregate classification (germline): Uncertain significance (1 of 4 stars; one submission).

Conditions:
Fanconi anemia (FA). Also called: Fanconi's anemia. Identifiers: Orphanet 84, MedGen C0015625, MeSH D005199, MONDO:0019391.

gnomAD v4.1: 1 of 1,613,920 alleles (0.000062%); no homozygotes.

Submission:

Labcorp Genetics (formerly Invitae), Labcorp
Classification: Uncertain significance for Fanconi anemia. Last evaluated: 2020-04-18. Review status: criteria provided, single submitter. Criteria: Invitae Variant Classification Sherloc (09022015). Collection method: clinical testing. Allele origin: germline.
Comment: In summary, the available evidence is currently insufficient to determine the role of this variant in disease. Therefore, it has been classified as a Variant of Uncertain Significance. This sequence change replaces glutamine with arginine at codon 1338 of the SLX4 protein (p.Gln1338Arg). The glutamine residue is weakly conserved and there is a small physicochemical difference between glutamine and arginine. Algorithms developed to predict the effect of missense changes on protein structure and function output the following: SIFT: "Tolerated"; PolyPhen-2: "Benign"; Align-GVGD: "Class C0". The arginine amino acid residue is found in multiple mammalian species, suggesting that this missense change does not adversely affect protein function. These predictions have not been confirmed by published functional studies and their clinical significance is uncertain. This variant has not been reported in the literature in individuals with SLX4-related conditions. This variant is not present in population databases (ExAC no frequency).